The following is an entry in ClinVar:

NM_001291303.3(FAT4):c.12431G>A (p.Arg4144Lys)

Gene: FAT4 (FAT atypical cadherin 4; plus strand). Cytogenetic location: 4q28.1.
Variant type: single nucleotide variant.
Coding change: c.12431G>A on transcript NM_001291303.3 (MANE Select); coding-DNA position 12431, G replaced by A.
Protein change: p.Arg4144Lys; replaces arginine 4144 with lysine.
Molecular consequence: missense variant.
Genome position (GRCh38, 1-based): chr4:125,477,286, G>A. VCF-style: chr4-125477286-G-A. GRCh37 (hg19) VCF-style: chr4-126398441-G-A.
Other names: c.12431G>A, p.Arg4144Lys (NM_001291285.3); c.12425G>A, p.Arg4142Lys (NM_024582.6); short protein forms R4142K, R4144K.
Identifiers: ClinVar variation 2655087 (VCV002655087.24), dbSNP rs2531005391, ClinGen allele CA358131147.

ClinVar aggregate classification (germline): Uncertain significance (1 of 4 stars; one submission).

Allele frequency attached by ClinVar (database versions not stated): gnomAD exomes below 0.00001.
gnomAD v4.1: 1 of 1,585,426 alleles (0.000063%); highest among the groups gnomAD compares: Middle Eastern, 0.017%; no homozygotes.

Submission:

CeGaT Center for Human Genetics Tuebingen
Classification: Uncertain significance. Last evaluated: 2023-04-01. Review status: criteria provided, single submitter. Criteria: CeGaT Center For Human Genetics Tuebingen Variant Classification Criteria Version 2. Collection method: clinical testing. Allele origin: germline. Affected: yes. Observed: 1 variant allele.
Comment: FAT4: PM2